The following is an entry in ClinVar:

NM_007118.4(TRIO):c.8156del (p.Lys2719fs)

Genes: TRIO (trio Rho guanine nucleotide exchange factor; plus strand), LOC126807323 (CDK7 strongly-dependent group 2 enhancer GRCh37_chr5:14497716-14498915; plus strand). Cytogenetic location: 5p15.2.
Variant type: Deletion.
Coding change: c.8156del on transcript NM_007118.4 (MANE Select); coding-DNA position 8156, one base deleted (A; older notation c.8156delA).
Protein change: p.Lys2719fs; shifts the reading frame from lysine 2719.
Molecular consequence: frameshift variant. On other transcripts: non-coding transcript variant (1).
Genome position (GRCh38, 1-based): chr5:14,498,197, A deleted; the last of 2 consecutive A bases (chr5:14,498,196-14,498,197); deleting either gives the same sequence. VCF-style (leftmost placement, unchanged base first): chr5-14498195-GA-G. GRCh37 (hg19) VCF-style: chr5-14498304-GA-G.
Other names: short protein forms K2719fs.
Identifiers: ClinVar variation 4985541 (VCV004985541.1).

ClinVar aggregate classification (germline): Uncertain significance (1 of 4 stars; one submission).

Conditions:
TRIO-related disorder. Also called: TRIO-related disorders; TRIO-related condition.

Submission:

PreventionGenetics, part of Exact Sciences
Classification: Uncertain significance for TRIO-related condition. Last evaluated: 2025-12-15. Review status: criteria provided, single submitter. Criteria: ACMG Guidelines, 2015. Collection method: clinical testing. Allele origin: germline.
Comment: The TRIO c.8156delA variant is predicted to result in a frameshift and premature protein termination (p.Lys2719Argfs*8). To our knowledge, this variant has not been reported in the literature or in a large population database (gnomAD), indicating this variant is rare. Although we suspect that this variant may be pathogenic, at this time, the clinical significance of this variant is uncertain due to the absence of conclusive functional and genetic evidence.